The following is an entry in ClinVar:

NM_000271.5(NPC1):c.2001G>A (p.Ser667=)

Gene: NPC1 (NPC intracellular cholesterol transporter 1; minus strand). Cytogenetic location: 18q11.2.
Variant type: single nucleotide variant.
Coding change: c.2001G>A on transcript NM_000271.5 (MANE Select); coding-DNA position 2001, G replaced by A.
Protein change: p.Ser667=; no amino-acid change (serine 667 retained).
Molecular consequence: synonymous variant.
Genome position (GRCh38, 1-based): chr18:23,544,473, C>T on the plus strand (G>A on the coding strand, the complement: NPC1 is on the minus strand). VCF-style: chr18-23544473-C-T. GRCh37 (hg19) VCF-style: chr18-21124437-C-T.
Identifiers: ClinVar variation 738011 (VCV000738011.12), dbSNP rs762100560, ClinGen allele CA8913238.
Genomic context (GRCh38, chr18:23,544,473, plus strand): 5'-AATCACAATGAGGGTCAAGGGCAACCCAATGTAGCTGAAGACACCCAAGGAGCAAGCCAC[C>T]GAGCTCAGCACGATCAAGATGCCCGCGATGCCTAGTGAGACCTTCGAATCCACCTGAGAG-3'
Protein context (NP_000262.2, residues 657-677): GIAGILIVLS[Ser667=]VACSLGVFSY

ClinVar aggregate classification (germline): Likely benign. Review status: criteria provided, single submitter (1 of 4 stars). 2 submissions from 2 submitters: Likely benign (1). 1 of the submissions does not count toward it. Last evaluated 2025-03-17.

Conditions:
Niemann-Pick disease, type C1. Also called: NEUROVISCERAL STORAGE DISEASE WITH VERTICAL SUPRANUCLEAR OPHTHALMOPLEGIA; NIEMANN-PICK DISEASE WITH CHOLESTEROL ESTERIFICATION BLOCK; NIEMANN-PICK DISEASE WITHOUT SPHINGOMYELINASE DEFICIENCY; NIEMANN-PICK DISEASE, CHRONIC NEURONOPATHIC FORM; NIEMANN-PICK DISEASE, VARIANT TYPE C1. Identifiers: Orphanet 646, MedGen C3179455, MONDO:0009757, OMIM 257220.
NPC1-related disorder. Also called: NPC1-related condition.

Allele frequency attached by ClinVar (database versions not stated): ExAC 0.00001; TOPMed 0.00001; gnomAD 0.00003.
gnomAD v4.1: 83 of 1,614,036 alleles (0.0051%); highest among the groups gnomAD compares: African/African-American, 0.008%; no homozygotes.

Submissions (2):

Labcorp Genetics (formerly Invitae), Labcorp
Classification: Likely benign for Niemann-Pick disease, type C1. Last evaluated: 2025-03-17. Review status: criteria provided, single submitter. Criteria: Invitae Variant Classification Sherloc (09022015). Collection method: clinical testing. Allele origin: germline.

PreventionGenetics, part of Exact Sciences
Classification: Likely benign for NPC1-related condition. Last evaluated: 2021-05-18. Review status: no assertion criteria provided. Collection method: clinical testing. Allele origin: germline. Not counted in ClinVar's aggregate classification.
Comment: This variant is classified as likely benign based on ACMG/AMP sequence variant interpretation guidelines (Richards et al. 2015 PMID: 25741868, with internal and published modifications).